The following is an entry in ClinVar:

ClinVar aggregate classification (germline): Likely benign (1 of 4 stars; one submission).

Conditions:
IFNAR2-related disorder. Also called: IFNAR2-related condition.

gnomAD v4.1: 3 of 1,614,144 alleles (0.00019%); highest among the groups gnomAD compares: East Asian, 0.0067%; no homozygotes.

Submission:

PreventionGenetics, part of Exact Sciences
Classification: Likely benign for IFNAR2-related condition. Last evaluated: 2024-10-31. Review status: criteria provided, single submitter. Criteria: ACMG Guidelines, 2015. Collection method: clinical testing. Allele origin: germline.
Comment: This variant is classified as likely benign based on ACMG/AMP sequence variant interpretation guidelines (Richards et al. 2015 PMID: 25741868, with internal and published modifications).

NM_001289125.3(IFNAR2):c.1413G>A (p.Leu471=)

Genes: IFNAR2 (interferon alpha and beta receptor subunit 2; plus strand), IFNAR2-IL10RB (IFNAR2-IL10RB readthrough; plus strand). Cytogenetic location: 21q22.11.
Variant type: single nucleotide variant.
Coding change: c.1413G>A on transcript NM_001289125.3 (MANE Select); coding-DNA position 1413, G replaced by A.
Protein change: p.Leu471=; no amino-acid change (leucine 471 retained).
Molecular consequence: synonymous variant. On other transcripts: 3 prime UTR variant (5), intron variant (2).
Genome position (GRCh38, 1-based): chr21:33,263,365, G>A. VCF-style: chr21-33263365-G-A. GRCh37 (hg19) VCF-style: chr21-34635670-G-A.
Other names: c.*649G>A (NM_000874.5, NM_207584.3); c.*562G>A (NM_001289126.2, NM_001289128.2); c.*788G>A (NM_001385054.1); c.1413G>A, p.Leu471= (NM_207585.3); c.710-5029G>A (NM_001414505.1); c.1318+95G>A (NM_001385055.1).
Identifiers: ClinVar variation 5001884 (VCV005001884.1).